The following is an entry in ClinVar:

NM_001130144.3(LTBP3):c.2914C>T (p.Pro972Ser)

Gene: LTBP3 (latent transforming growth factor beta binding protein 3; minus strand). Cytogenetic location: 11q13.1.
Variant type: single nucleotide variant.
Coding change: c.2914C>T on transcript NM_001130144.3 (MANE Select); coding-DNA position 2914, C replaced by T.
Protein change: p.Pro972Ser; replaces proline 972 with serine.
Molecular consequence: missense variant.
Genome position (GRCh38, 1-based): chr11:65,540,934, G>A on the plus strand (C>T on the coding strand, the complement: LTBP3 is on the minus strand). VCF-style: chr11-65540934-G-A. GRCh37 (hg19) VCF-style: chr11-65308405-G-A.
Other names: p.Pro972Ser; c.2563C>T, p.Pro855Ser (NM_001164266.1); c.2914C>T, p.Pro972Ser (NM_021070.4); short protein forms P855S, P972S.
Identifiers: ClinVar variation 1397256 (VCV001397256.9), dbSNP rs148248053, ClinGen allele CA6100436.

ClinVar aggregate classification (germline): Uncertain significance. Review status: criteria provided, multiple submitters, no conflicts (2 of 4 stars). 3 submissions from 3 submitters: Uncertain significance (3). Last evaluated 2025-12-23.

Conditions:
Inborn genetic diseases. Identifiers: MedGen C0950123, MeSH D030342.
Brachyolmia-amelogenesis imperfecta syndrome. Also called: Tooth agenesis, selective, 6; Dental anomalies and short stature; PLATYSPONDYLY WITH AMELOGENESIS IMPERFECTA. Identifiers: Orphanet 2899, MedGen C1832594, MONDO:0011018, OMIM 601216. Disease mechanism: loss of function.

Allele frequency attached by ClinVar (database versions not stated): gnomAD 0.00018 and 0.00019; ESP Exome Variant Server 0.00038; ExAC 0.00011; gnomAD exomes 0.00021 and 0.00011; TOPMed 0.00014.

Submissions (3):

Labcorp Genetics (formerly Invitae), Labcorp
Classification: Uncertain significance for Brachyolmia-amelogenesis imperfecta syndrome. Last evaluated: 2025-12-23. Review status: criteria provided, single submitter. Criteria: Invitae Variant Classification Sherloc (09022015). Collection method: clinical testing. Allele origin: germline.
Comment: This sequence change replaces proline, which is neutral and non-polar, with serine, which is neutral and polar, at codon 972 of the LTBP3 protein (p.Pro972Ser). This variant is present in population databases (rs148248053, gnomAD 0.02%). This variant has not been reported in the literature in individuals affected with LTBP3-related conditions. ClinVar contains an entry for this variant (Variation ID: 1397256). An algorithm developed to predict the effect of missense changes on protein structure and function (PolyPhen-2) suggests that this variant is likely to be disruptive. In summary, the available evidence is currently insufficient to determine the role of this variant in disease. Therefore, it has been classified as a Variant of Uncertain Significance.

Mayo Clinic Laboratories, Mayo Clinic
Classification: Uncertain significance. Last evaluated: 2025-09-25. Review status: criteria provided, single submitter. Criteria: ACMG Guidelines, 2015. Collection method: clinical testing. Allele origin: germline. Observed: 1 variant allele.

Ambry Genetics
Classification: Uncertain significance for Inborn genetic diseases. Last evaluated: 2023-12-13. Review status: criteria provided, single submitter. Criteria: Ambry Variant Classification Scheme 2023. Collection method: clinical testing. Allele origin: germline.